The following is an entry in ClinVar:

NM_001113378.2(FANCI):c.2266T>C (p.Tyr756His)

Gene: FANCI (FA complementation group I; plus strand). Cytogenetic location: 15q26.1.
Variant type: single nucleotide variant.
Coding change: c.2266T>C on transcript NM_001113378.2 (MANE Select); coding-DNA position 2266, T replaced by C.
Protein change: p.Tyr756His; replaces tyrosine 756 with histidine.
Molecular consequence: missense variant.
Genome position (GRCh38, 1-based): chr15:89,293,038, T>C. VCF-style: chr15-89293038-T-C. GRCh37 (hg19) VCF-style: chr15-89836269-T-C.
Other names: c.1987T>C, p.Tyr663His (NM_001376910.1); c.2266T>C, p.Tyr756His (NM_001376911.1, NM_018193.3); short protein forms Y756H, Y663H.
Identifiers: ClinVar variation 938900 (VCV000938900.10), dbSNP rs752028405, ClinGen allele CA7723325.

ClinVar aggregate classification (germline): Uncertain significance. Review status: criteria provided, multiple submitters, no conflicts (2 of 4 stars). 5 submissions from 5 submitters: Uncertain significance (5). Last evaluated 2025-05-28.

Conditions:
Fanconi anemia complementation group I (FANCI). Also called: FANCI-Related Fanconi Anemia. Identifiers: Orphanet 84, MedGen C1836861, MONDO:0012186, OMIM 609053.
Fanconi anemia (FA). Also called: Fanconi's anemia. Identifiers: Orphanet 84, MedGen C0015625, MeSH D005199, MONDO:0019391.

Allele frequency attached by ClinVar (database versions not stated): gnomAD exomes 0.00002; TOPMed 0.00024; ExAC 0.00002.
gnomAD v4.1: 23 of 1,613,734 alleles (0.0014%); highest among the groups gnomAD compares: Admixed American, 0.027%; no homozygotes.

Submissions (5):

Dasa
Classification: Uncertain significance. Last evaluated: 2025-05-28. Review status: criteria provided, single submitter. Criteria: DASA Assertion Criteria. Collection method: clinical testing. Allele origin: germline.
Comment: NM_001113378.2(FANCI):c.2266T>C (p.Tyr756His) is a missense variant that results in the substitution of tyrosine with histidine. This variant is rare in population databases. Computational prediction algorithms are consistent with a benign effect. The currently available literature and clinical evidence are not sufficient to establish a definitive association between this variant and the reported condition. Therefore, this variant is classified as a variant of uncertain significance.

Daryl Scott Lab, Baylor College of Medicine
Classification: Uncertain significance for Fanconi anemia complementation group I. Last evaluated: 2024-01-01. Review status: criteria provided, single submitter. Criteria: ACMG Guidelines, 2015. Collection method: clinical testing. Allele origin: maternal. Observed: 1 heterozygote.
Comment: PP3

Labcorp Genetics (formerly Invitae), Labcorp
Classification: Uncertain significance for Fanconi anemia. Last evaluated: 2022-10-13. Review status: criteria provided, single submitter. Criteria: Invitae Variant Classification Sherloc (09022015). Collection method: clinical testing. Allele origin: germline.
Comment: This sequence change replaces tyrosine, which is neutral and polar, with histidine, which is basic and polar, at codon 756 of the FANCI protein (p.Tyr756His). This variant is present in population databases (rs752028405, gnomAD 0.003%). This variant has not been reported in the literature in individuals affected with FANCI-related conditions. ClinVar contains an entry for this variant (Variation ID: 938900). Advanced modeling of protein sequence and biophysical properties (such as structural, functional, and spatial information, amino acid conservation, physicochemical variation, residue mobility, and thermodynamic stability) performed at Invitae indicates that this missense variant is not expected to disrupt FANCI protein function. In summary, the available evidence is currently insufficient to determine the role of this variant in disease. Therefore, it has been classified as a Variant of Uncertain Significance.

GeneDx
Classification: Uncertain significance. Last evaluated: 2022-01-25. Review status: criteria provided, single submitter. Criteria: GeneDx Variant Classification Process June 2021. Collection method: clinical testing. Allele origin: germline. Affected: yes.
Comment: In silico analysis supports that this missense variant has a deleterious effect on protein structure/function; Has not been previously published as pathogenic or benign to our knowledge

Fulgent Genetics
Classification: Uncertain significance for Fanconi anemia complementation group I. Last evaluated: 2021-07-02. Review status: criteria provided, single submitter. Criteria: ACMG Guidelines, 2015. Collection method: clinical testing. Allele origin: unknown.